The following is an entry in ClinVar:

ClinVar aggregate classification (germline): Conflicting classifications of pathogenicity. Review status: criteria provided, conflicting classifications (1 of 4 stars). 2 submissions from 2 submitters: Uncertain significance (1); Benign (1). Last evaluated 2025-05-23.

Conditions:
Hereditary breast ovarian cancer syndrome. Also called: Hereditary breast and ovarian cancer; Breast and ovarian cancer; Hereditary breast and/or ovarian cancer syndrome; Hereditary breast and ovarian cancer syndrome; BRCA1- and BRCA2-Associated Hereditary Breast and Ovarian Cancer; Hereditary breast and ovarian cancer syndrome (HBOC). Identifiers: Orphanet 145, MedGen C0677776, MeSH D061325, MONDO:0003582. Disease mechanism: loss of function.
Hereditary cancer-predisposing syndrome. Also called: Tumor predisposition; Hereditary Cancer Syndrome; Neoplastic Syndromes, Hereditary; Hereditary neoplastic syndrome. Identifiers: Orphanet 140162, MedGen C0027672, MeSH D009386, MONDO:0015356.

Submissions (2):

Ambry Genetics
Classification: Benign for Hereditary cancer-predisposing syndrome. Last evaluated: 2025-05-23. Review status: criteria provided, single submitter. Criteria: Ambry Variant Classification Scheme 2023. Collection method: clinical testing. Allele origin: germline.

Labcorp Genetics (formerly Invitae), Labcorp
Classification: Uncertain significance for Hereditary breast ovarian cancer syndrome. Last evaluated: 2024-06-04. Review status: criteria provided, single submitter. Criteria: Invitae Variant Classification Sherloc (09022015). Collection method: clinical testing. Allele origin: germline.
Comment: This sequence change replaces threonine, which is neutral and polar, with serine, which is neutral and polar, at codon 3013 of the BRCA2 protein (p.Thr3013Ser). This variant is not present in population databases (gnomAD no frequency). This variant has not been reported in the literature in individuals affected with BRCA2-related conditions. ClinVar contains an entry for this variant (Variation ID: 822921). Advanced modeling of protein sequence and biophysical properties (such as structural, functional, and spatial information, amino acid conservation, physicochemical variation, residue mobility, and thermodynamic stability) performed at Invitae indicates that this missense variant is not expected to disrupt BRCA2 protein function with a negative predictive value of 95%. In summary, the available evidence is currently insufficient to determine the role of this variant in disease. Therefore, it has been classified as a Variant of Uncertain Significance.

Literature cited by the submitters: PubMed 30287823 (cited by Ambry Genetics).

NM_000059.4(BRCA2):c.9037A>T (p.Thr3013Ser)

Gene: BRCA2 (BRCA2 DNA repair associated; plus strand). Cytogenetic location: 13q13.1.
Variant type: single nucleotide variant.
Coding change: c.9037A>T on transcript NM_000059.4 (MANE Select); coding-DNA position 9037, A replaced by T.
Protein change: p.Thr3013Ser; replaces threonine 3013 with serine.
Molecular consequence: missense variant.
Genome position (GRCh38, 1-based): chr13:32,379,833, A>T. VCF-style: chr13-32379833-A-T. GRCh37 (hg19) VCF-style: chr13-32953970-A-T.
Other names: short protein forms T3013S.
Identifiers: ClinVar variation 822921 (VCV000822921.7), dbSNP rs1555288470, ClinGen allele CA387757516.